The following is an entry in ClinVar:

ClinVar aggregate classification (germline): Likely benign (1 of 4 stars; one submission).

Submission:

CeGaT Center for Human Genetics Tuebingen
Classification: Likely benign. Last evaluated: 2023-01-01. Review status: criteria provided, single submitter. Criteria: CeGaT Center For Human Genetics Tuebingen Variant Classification Criteria Version 2. Collection method: clinical testing. Allele origin: germline. Affected: yes. Observed: 2 variant alleles.
Comment: RGPD3: BP4, BP7

NM_001144013.2(RGPD3):c.711G>A (p.Leu237=)

Gene: RGPD3 (RANBP2 like and GRIP domain containing 3; minus strand). Cytogenetic location: 2q12.2.
Variant type: single nucleotide variant.
Coding change: c.711G>A on transcript NM_001144013.2 (MANE Select); coding-DNA position 711, G replaced by A.
Protein change: p.Leu237=; no amino-acid change (leucine 237 retained).
Molecular consequence: synonymous variant.
Genome position (GRCh38, 1-based): chr2:106,452,276, C>T on the plus strand (G>A on the coding strand, the complement: RGPD3 is on the minus strand). VCF-style: chr2-106452276-C-T. GRCh37 (hg19) VCF-style: chr2-107068732-C-T.
Identifiers: ClinVar variation 2651234 (VCV002651234.24), dbSNP rs1187740342, ClinGen allele CA427867913.